The following is an entry in ClinVar:

NM_005560.6(LAMA5):c.5203G>A (p.Val1735Met)

Gene: LAMA5 (laminin subunit alpha 5; minus strand). Cytogenetic location: 20q13.33.
Variant type: single nucleotide variant.
Coding change: c.5203G>A on transcript NM_005560.6 (MANE Select); coding-DNA position 5203, G replaced by A.
Protein change: p.Val1735Met; replaces valine 1735 with methionine.
Molecular consequence: missense variant.
Genome position (GRCh38, 1-based): chr20:62,326,876, C>T on the plus strand (G>A on the coding strand, the complement: LAMA5 is on the minus strand). VCF-style: chr20-62326876-C-T. GRCh37 (hg19) VCF-style: chr20-60901932-C-T.
Other names: short protein forms V1735M.
Identifiers: ClinVar variation 708744 (VCV000708744.44), dbSNP rs45496002, ClinGen allele CA9942295.

ClinVar aggregate classification (germline): Likely benign. Review status: criteria provided, multiple submitters, no conflicts (2 of 4 stars). 4 submissions from 4 submitters: Likely benign (3). 1 of the submissions does not count toward it. Last evaluated 2026-09-01.

Conditions:
LAMA5-related disorder. Also called: LAMA5-Related Disorders; LAMA5-related condition.

Allele frequency attached by ClinVar (database versions not stated): 1000 Genomes Project 0.00140; 1000 Genomes Project 30x 0.00141; TOPMed 0.00465; gnomAD exomes 0.00529 and 0.00739; ExAC 0.00534; gnomAD 0.00541 and 0.00548; ESP Exome Variant Server 0.00669.
gnomAD v4.1: 11,557 of 1,611,516 alleles (0.72%); highest among the groups gnomAD compares: Non-Finnish European, 0.86%; 54 homozygotes.

Submissions (4):

CeGaT Center for Human Genetics Tuebingen
Classification: Likely benign. Last evaluated: 2026-09-01. Review status: criteria provided, single submitter. Criteria: CeGaT Center For Human Genetics Tuebingen Variant Classification Criteria Version 2. Collection method: clinical testing. Allele origin: germline. Affected: yes. Observed: 21 variant alleles.
Comment: LAMA5: BS2

Labcorp Genetics (formerly Invitae), Labcorp
Classification: Likely benign. Last evaluated: 2026-01-30. Review status: criteria provided, single submitter. Criteria: Invitae Variant Classification Sherloc (09022015). Collection method: clinical testing. Allele origin: germline.

Breakthrough Genomics
Classification: Likely benign. Review status: criteria provided, single submitter. Criteria: ACMG Guidelines, 2015. Collection method: not provided. Allele origin: germline. Inheritance: Autosomal recessive inheritance. Affected: yes.

PreventionGenetics, part of Exact Sciences
Classification: Benign for LAMA5-related condition. Last evaluated: 2022-03-21. Review status: no assertion criteria provided. Collection method: clinical testing. Allele origin: germline. Not counted in ClinVar's aggregate classification.
Comment: This variant is classified as benign based on ACMG/AMP sequence variant interpretation guidelines (Richards et al. 2015 PMID: 25741868, with internal and published modifications).